The following is an entry in ClinVar:

NM_004464.4(FGF5):c.*6C>T

Gene: FGF5 (fibroblast growth factor 5; plus strand). Cytogenetic location: 4q21.21.
Variant type: single nucleotide variant.
Coding change: c.*6C>T on transcript NM_004464.4 (MANE Select); 6 bases downstream of the stop codon, C replaced by T.
Molecular consequence: 3 prime UTR variant.
Genome position (GRCh38, 1-based): chr4:80,286,678, C>T. VCF-style: chr4-80286678-C-T. GRCh37 (hg19) VCF-style: chr4-81207832-C-T.
Other names: c.*6C>T (NM_001291812.2); c.*337C>T (NM_033143.2).
Identifiers: ClinVar variation 3053636 (VCV003053636.2), dbSNP rs371866408, ClinGen allele CA2982765.

ClinVar aggregate classification (germline): Likely benign (0 of 4 stars; one submission).

Conditions:
FGF5-related disorder. Also called: FGF5-related condition.

Allele frequency attached by ClinVar (database versions not stated): ExAC 0.00007; TOPMed 0.00009; gnomAD 0.00014; 1000 Genomes Project 30x 0.00016; ESP Exome Variant Server 0.00023.
gnomAD v4.1: 39 of 1,606,604 alleles (0.0024%); highest among the groups gnomAD compares: African/African-American, 0.042%; no homozygotes.

Submission:

PreventionGenetics, part of Exact Sciences
Classification: Likely benign for FGF5-related condition. Last evaluated: 2019-08-13. Review status: no assertion criteria provided. Collection method: clinical testing. Allele origin: germline.
Comment: This variant is classified as likely benign based on ACMG/AMP sequence variant interpretation guidelines (Richards et al. 2015 PMID: 25741868, with internal and published modifications).